The following is an entry in ClinVar:

NM_001232.4(CASQ2):c.421-11T>G

Gene: CASQ2 (calsequestrin 2; minus strand). Cytogenetic location: 1p13.1.
Variant type: single nucleotide variant.
Coding change: c.421-11T>G on transcript NM_001232.4 (MANE Select); 11 bases into the intron before coding-DNA position 421, T replaced by G.
Molecular consequence: intron variant.
Genome position (GRCh38, 1-based): chr1:115,738,346, A>C on the plus strand (T>G on the coding strand, the complement: CASQ2 is on the minus strand). VCF-style: chr1-115738346-A-C. GRCh37 (hg19) VCF-style: chr1-116280967-A-C.
Identifiers: ClinVar variation 4713925 (VCV004713925.1).
Genomic context (GRCh38, chr1:115,738,346, plus strand): 5'-GCTTGGACTTCCAGTTTGCTGCTGATGATCTCCACTGGGTCTTCAATTAGCTGAAATGCC[A>C]CACGCACATACACACATGTTCAAACAAGAGATTTCCTTCTTCACTGGGGAAACAGAGTGC-3'

ClinVar aggregate classification (germline): Uncertain significance (1 of 4 stars; one submission).

Conditions:
Catecholaminergic polymorphic ventricular tachycardia 1. Also called: RYR2-Related Catecholaminergic Polymorphic Ventricular Tachycardia; VENTRICULAR TACHYCARDIA, CATECHOLAMINERGIC POLYMORPHIC, 1, WITH OR WITHOUT ATRIAL DYSFUNCTION AND/OR DILATED CARDIOMYOPATHY; VENTRICULAR TACHYCARDIA, STRESS-INDUCED POLYMORPHIC 1. Identifiers: Orphanet 3286, MedGen C1631597, MONDO:0011484, OMIM 604772.

gnomAD v4.1: 1 of 1,412,666 alleles (0.000071%); highest among the groups gnomAD compares: Non-Finnish European, 0.0001%; no homozygotes.

Submission:

Labcorp Genetics (formerly Invitae), Labcorp
Classification: Uncertain significance for Catecholaminergic polymorphic ventricular tachycardia 1. Last evaluated: 2025-05-07. Review status: criteria provided, single submitter. Criteria: Invitae Variant Classification Sherloc (09022015). Collection method: clinical testing. Allele origin: germline.
Comment: This sequence change falls in intron 3 of the CASQ2 gene. It does not directly change the encoded amino acid sequence of the CASQ2 protein. This variant is not present in population databases (gnomAD no frequency). This variant has not been reported in the literature in individuals affected with CASQ2-related conditions. Algorithms developed to predict the effect of sequence changes on RNA splicing suggest that this variant may disrupt the consensus splice site. In summary, the available evidence is currently insufficient to determine the role of this variant in disease. Therefore, it has been classified as a Variant of Uncertain Significance.